The following is an entry in ClinVar:

ClinVar aggregate classification (germline): Uncertain significance (1 of 4 stars; one submission).

gnomAD v4.1: 29 of 1,613,368 alleles (0.0018%); highest among the groups gnomAD compares: South Asian, 0.0044%; no homozygotes.

Submission:

Labcorp Genetics (formerly Invitae), Labcorp
Classification: Uncertain significance. Last evaluated: 2023-09-29. Review status: criteria provided, single submitter. Criteria: Invitae Variant Classification Sherloc (09022015). Collection method: clinical testing. Allele origin: germline.
Comment: In summary, the available evidence is currently insufficient to determine the role of this variant in disease. Therefore, it has been classified as a Variant of Uncertain Significance. Algorithms developed to predict the effect of missense changes on protein structure and function output the following: SIFT: "Not Available"; PolyPhen-2: "Benign"; Align-GVGD: "Not Available". The isoleucine amino acid residue is found in multiple mammalian species, which suggests that this missense change does not adversely affect protein function. ClinVar contains an entry for this variant (Variation ID: 1413962). This variant has not been reported in the literature in individuals affected with CLCN6-related conditions. The frequency data for this variant in the population databases is considered unreliable, as metrics indicate poor data quality at this position in the gnomAD database. This sequence change replaces valine, which is neutral and non-polar, with isoleucine, which is neutral and non-polar, at codon 470 of the CLCN6 protein (p.Val470Ile).

NM_001286.5(CLCN6):c.1408G>A (p.Val470Ile)

Gene: CLCN6 (chloride voltage-gated channel 6; plus strand). Cytogenetic location: 1p36.22.
Variant type: single nucleotide variant.
Coding change: c.1408G>A on transcript NM_001286.5 (MANE Select); coding-DNA position 1408, G replaced by A.
Protein change: p.Val470Ile; replaces valine 470 with isoleucine.
Molecular consequence: missense variant. On other transcripts: non-coding transcript variant (1).
Genome position (GRCh38, 1-based): chr1:11,833,912, G>A. VCF-style: chr1-11833912-G-A. GRCh37 (hg19) VCF-style: chr1-11893969-G-A.
Other names: c.1342G>A, p.Val448Ile (NM_001256959.2); short protein forms V470I, V448I.
Identifiers: ClinVar variation 1413962 (VCV001413962.8), dbSNP rs200899004, ClinGen allele CA596472.